The following is an entry in ClinVar:

NM_016008.4(DYNC2LI1):c.71G>A (p.Gly24Asp)

Gene: DYNC2LI1 (dynein cytoplasmic 2 light intermediate chain 1; plus strand). Cytogenetic location: 2p21.
Variant type: single nucleotide variant.
Coding change: c.71G>A on transcript NM_016008.4 (MANE Select); coding-DNA position 71, G replaced by A.
Protein change: p.Gly24Asp; replaces glycine 24 with aspartic acid.
Molecular consequence: missense variant.
Genome position (GRCh38, 1-based): chr2:43,776,844, G>A. VCF-style: chr2-43776844-G-A. GRCh37 (hg19) VCF-style: chr2-44003983-G-A.
Other names: c.71G>A, p.Gly24Asp (NM_001193464.2, NM_001348912.2, NM_001348913.2 and 1 more transcripts); c.71G>A (NM_001193464.1); short protein forms G24D.
Identifiers: ClinVar variation 2080657 (VCV002080657.2), dbSNP rs146438889, ClinGen allele CA1635660.
Genomic context (GRCh38, chr2:43,776,844, plus strand): 5'-AAACTCTCTGGGAAATTGCAAAAGCTGAAGTGGAAAAAAGGGGAATTAATGGAAGTGAAG[G>A]TGATGGAGCTGAAATTGCAGAAAAATTTGTTTTCTTCATTGGCAGTAAAAATGGGGTAAT-3'
Protein context (NP_057092.2, residues 14-34): VEKRGINGSE[Gly24Asp]DGAEIAEKFV

ClinVar aggregate classification (germline): Uncertain significance. Review status: criteria provided, multiple submitters, no conflicts (2 of 4 stars). 2 submissions from 2 submitters: Uncertain significance (2). Last evaluated 2024-11-12.

Conditions:
Inborn genetic diseases. Identifiers: MedGen C0950123, MeSH D030342.

Allele frequency attached by ClinVar (database versions not stated): gnomAD exomes 0.00002; gnomAD 0.00007; ExAC 0.00008; TOPMed 0.00008; 1000 Genomes Project 30x 0.00016; 1000 Genomes Project 0.00020.
gnomAD v4.1: 49 of 1,604,222 alleles (0.0031%); highest among the groups gnomAD compares: Middle Eastern, 0.033%; no homozygotes.

Submissions (2):

Ambry Genetics
Classification: Uncertain significance for Inborn genetic diseases. Last evaluated: 2024-11-12. Review status: criteria provided, single submitter. Criteria: Ambry Variant Classification Scheme 2023. Collection method: clinical testing. Allele origin: germline.

Labcorp Genetics (formerly Invitae), Labcorp
Classification: Uncertain significance. Last evaluated: 2022-08-22. Review status: criteria provided, single submitter. Criteria: Invitae Variant Classification Sherloc (09022015). Collection method: clinical testing. Allele origin: germline.
Comment: This sequence change replaces glycine, which is neutral and non-polar, with aspartic acid, which is acidic and polar, at codon 24 of the DYNC2LI1 protein (p.Gly24Asp). This variant is present in population databases (rs146438889, gnomAD 0.01%). This variant has not been reported in the literature in individuals affected with DYNC2LI1-related conditions. Algorithms developed to predict the effect of missense changes on protein structure and function output the following: SIFT: "Tolerated"; PolyPhen-2: "Benign"; Align-GVGD: "Class C0". The aspartic acid amino acid residue is found in multiple mammalian species, which suggests that this missense change does not adversely affect protein function. In summary, the available evidence is currently insufficient to determine the role of this variant in disease. Therefore, it has been classified as a Variant of Uncertain Significance.